The following is an entry in ClinVar:

ClinVar aggregate classification (germline): Uncertain significance (1 of 4 stars; one submission).

Submission:

Ambry Genetics
Classification: Uncertain significance. Last evaluated: 2025-05-03. Review status: criteria provided, single submitter. Criteria: Ambry Variant Classification Scheme 2023. Collection method: clinical testing. Allele origin: germline.
Comment: The p.H42R variant (also known as c.125A>G), located in coding exon 1 of the CDK12 gene, results from an A to G substitution at nucleotide position 125. The histidine at codon 42 is replaced by arginine, an amino acid with highly similar properties. This amino acid position is conserved. In addition, this alteration is predicted to be tolerated by in silico analysis. Based on the available evidence, the clinical significance of this variant remains unclear.

NM_016507.4(CDK12):c.125A>G (p.His42Arg)

Genes: CDK12 (cyclin dependent kinase 12; plus strand), LOC126862553 (CDK7 strongly-dependent group 2 enhancer GRCh37_chr17:37618166-37619365; plus strand). Cytogenetic location: 17q12.
Variant type: single nucleotide variant.
Coding change: c.125A>G on transcript NM_016507.4 (MANE Select); coding-DNA position 125, A replaced by G.
Protein change: p.His42Arg; replaces histidine 42 with arginine.
Molecular consequence: missense variant.
Genome position (GRCh38, 1-based): chr17:39,462,196, A>G. VCF-style: chr17-39462196-A-G. GRCh37 (hg19) VCF-style: chr17-37618449-A-G.
Other names: c.125A>G, p.His42Arg (NM_015083.4); short protein forms H42R.
Identifiers: ClinVar variation 3999419 (VCV003999419.1).